The following is an entry in ClinVar:

ClinVar aggregate classification (germline): Uncertain significance (1 of 4 stars; one submission).

Conditions:
Infantile-onset X-linked spinal muscular atrophy. Also called: ARTHROGRYPOSIS, X-LINKED, TYPE I; Spinal Muscular Atrophy, X-Linked Infantile; SPINAL MUSCULAR ATROPHY, X-LINKED LETHAL INFANTILE; AMC, DISTAL, X-LINKED; Spinal muscular atrophy, X-linked 2. Identifiers: Orphanet 1145, MedGen C1844934, MONDO:0010532, OMIM 301830.

Allele frequency attached by ClinVar (database versions not stated): gnomAD exomes below 0.00001; gnomAD 0.00002; ExAC 0.00005; 1000 Genomes Project 30x 0.00021; 1000 Genomes Project 0.00026.
gnomAD v4.1: 4 of 1,210,120 alleles (0.00033%); highest among the groups gnomAD compares: East Asian, 0.012%; no homozygotes.

Submission:

Labcorp Genetics (formerly Invitae), Labcorp
Classification: Uncertain significance for Infantile-onset X-linked spinal muscular atrophy. Last evaluated: 2022-06-03. Review status: criteria provided, single submitter. Criteria: Invitae Variant Classification Sherloc (09022015). Collection method: clinical testing. Allele origin: germline.
Comment: In summary, the available evidence is currently insufficient to determine the role of this variant in disease. Therefore, it has been classified as a Variant of Uncertain Significance. This sequence change replaces valine, which is neutral and non-polar, with alanine, which is neutral and non-polar, at codon 307 of the UBA1 protein (p.Val307Ala). This variant is present in population databases (rs781812274, gnomAD 0.04%), including at least one homozygous and/or hemizygous individual. This variant has not been reported in the literature in individuals affected with UBA1-related conditions. Algorithms developed to predict the effect of missense changes on protein structure and function output the following: SIFT: "Tolerated"; PolyPhen-2: "Benign"; Align-GVGD: "Class C0". The alanine amino acid residue is found in multiple mammalian species, which suggests that this missense change does not adversely affect protein function.

NM_003334.4(UBA1):c.920T>C (p.Val307Ala)

Gene: UBA1 (ubiquitin like modifier activating enzyme 1; plus strand). Cytogenetic location: Xp11.3.
Variant type: single nucleotide variant.
Coding change: c.920T>C on transcript NM_003334.4 (MANE Select); coding-DNA position 920, T replaced by C.
Protein change: p.Val307Ala; replaces valine 307 with alanine.
Molecular consequence: missense variant.
Genome position (GRCh38, 1-based): chrX:47,202,368, T>C. VCF-style: chrX-47202368-T-C. GRCh37 (hg19) VCF-style: chrX-47061767-T-C.
Other names: c.920T>C, p.Val307Ala (NM_153280.3); short protein forms V307A.
Identifiers: ClinVar variation 2195876 (VCV002195876.4), dbSNP rs781812274, ClinGen allele CA10395803.